The following is an entry in ClinVar:

NM_000384.3(APOB):c.12364C>A (p.Gln4122Lys)

Gene: APOB (apolipoprotein B; minus strand). Cytogenetic location: 2p24.1.
Variant type: single nucleotide variant.
Coding change: c.12364C>A on transcript NM_000384.3 (MANE Select); coding-DNA position 12364, C replaced by A.
Protein change: p.Gln4122Lys; replaces glutamine 4122 with lysine.
Molecular consequence: missense variant.
Genome position (GRCh38, 1-based): chr2:21,003,058, G>T on the plus strand (C>A on the coding strand, the complement: APOB is on the minus strand). VCF-style: chr2-21003058-G-T. GRCh37 (hg19) VCF-style: chr2-21225930-G-T.
Other names: short protein forms Q4122K.
Identifiers: ClinVar variation 630240 (VCV000630240.15), dbSNP rs767603929, ClinGen allele CA050095.

ClinVar aggregate classification (germline): Conflicting classifications of pathogenicity. Review status: criteria provided, conflicting classifications (1 of 4 stars). 3 submissions from 3 submitters: Uncertain significance (2); Benign (1). Last evaluated 2026-08-04.

Conditions:
Hypercholesterolemia, autosomal dominant, type B (FHCL2). Also called: Familial Hypercholesterolemia Type B; APOLIPOPROTEIN B-100, FAMILIAL DEFECTIVE; APOLIPOPROTEIN B-100, FAMILIAL LIGAND-DEFECTIVE; HYPERCHOLESTEROLEMIA, FAMILIAL, DUE TO LIGAND-DEFECTIVE APOLIPOPROTEIN B; APOB-Related Familial Hypercholesterolemia, Autosomal Dominant; Hyperlipoproteinemia Type IIb. Identifiers: MedGen C1704417, MONDO:0007751, OMIM 144010.
Familial hypobetalipoproteinemia 1. Also called: APOB-Related Familial Hypobetalipoproteinemia; Hypobetalipoproteinemia, normotriglyceridemic; Acanthocytosis with hypobetalipoproteinemia. Identifiers: MedGen C4551990, MONDO:0014252, OMIM 615558.
Familial hypercholesterolemia. Also called: Familial hypercholesterolemias; Familial hypercholesterolaemia. Identifiers: MedGen C0020445, MONDO:0005439.

Allele frequency attached by ClinVar (database versions not stated): ExAC 0.00002; gnomAD exomes 0.00002; gnomAD 0.00006 and 0.00007; TOPMed 0.00013.
gnomAD v4.1: 22 of 1,570,470 alleles (0.0014%); highest among the groups gnomAD compares: African/African-American, 0.012%; no homozygotes.

Submissions (3):

Cambridge Genomics Laboratory, East Genomic Laboratory Hub, NHS Genomic Medicine Service
Classification: Uncertain significance for Familial hypercholesterolaemia. Last evaluated: 2026-08-04. Review status: criteria provided, single submitter. Criteria: ACGS Best Practice Guidelines for Variant Classification in Rare Disease 2020. Collection method: clinical testing. Allele origin: germline. Affected: yes.
Comment: PM2_Supporting,PP4

Labcorp Genetics (formerly Invitae), Labcorp
Classification: Benign for Familial hypobetalipoproteinemia 1; Hypercholesterolemia, autosomal dominant, type B. Last evaluated: 2025-09-14. Review status: criteria provided, single submitter. Criteria: Invitae Variant Classification Sherloc (09022015). Collection method: clinical testing. Allele origin: germline.

GeneDx
Classification: Uncertain significance. Last evaluated: 2023-07-25. Review status: criteria provided, single submitter. Criteria: GeneDx Variant Classification Process June 2021. Collection method: clinical testing. Allele origin: germline. Affected: yes.
Comment: Not observed at significant frequency in large population cohorts (gnomAD); In silico analysis supports that this missense variant does not alter protein structure/function; Has not been previously published as pathogenic or benign to our knowledge